The following is an entry in ClinVar:

ClinVar aggregate classification (germline): Uncertain significance. Review status: criteria provided, multiple submitters, no conflicts (2 of 4 stars). 2 submissions from 2 submitters: Uncertain significance (2). Last evaluated 2025-05-21.

Conditions:
Renal cell carcinoma. Identifiers: Orphanet 217071, MedGen C0007134, MeSH D002292, MONDO:0005086, HP:0005584.
Hereditary cancer-predisposing syndrome. Also called: Hereditary neoplastic syndrome; Hereditary Cancer Syndrome; Neoplastic Syndromes, Hereditary; Tumor predisposition. Identifiers: Orphanet 140162, MedGen C0027672, MeSH D009386, MONDO:0015356.

Submissions (2):

Ambry Genetics
Classification: Uncertain significance for Hereditary cancer-predisposing syndrome. Last evaluated: 2025-05-21. Review status: criteria provided, single submitter. Criteria: Ambry Variant Classification Scheme 2023. Collection method: clinical testing. Allele origin: germline.
Comment: The p.E708K variant (also known as c.2122G>A), located in coding exon 8 of the MET gene, results from a G to A substitution at nucleotide position 2122. The glutamic acid at codon 708 is replaced by lysine, an amino acid with similar properties. This amino acid position is conserved. In addition, the in silico prediction for this alteration is inconclusive. Based on the available evidence, the clinical significance of this variant remains unclear.

Labcorp Genetics (formerly Invitae), Labcorp
Classification: Uncertain significance for Renal cell carcinoma. Last evaluated: 2021-09-10. Review status: criteria provided, single submitter. Criteria: Invitae Variant Classification Sherloc (09022015). Collection method: clinical testing. Allele origin: germline.
Comment: Algorithms developed to predict the effect of missense changes on protein structure and function output the following: SIFT: "Tolerated"; PolyPhen-2: "Benign"; Align-GVGD: "Class C0". The lysine amino acid residue is found in multiple mammalian species, which suggests that this missense change does not adversely affect protein function. This sequence change replaces glutamic acid with lysine at codon 708 of the MET protein (p.Glu708Lys). The glutamic acid residue is moderately conserved and there is a small physicochemical difference between glutamic acid and lysine. This variant is not present in population databases (ExAC no frequency). This variant has not been reported in the literature in individuals affected with MET-related conditions. In summary, the available evidence is currently insufficient to determine the role of this variant in disease. Therefore, it has been classified as a Variant of Uncertain Significance.

NM_000245.4(MET):c.2122G>A (p.Glu708Lys)

Gene: MET (MET proto-oncogene, receptor tyrosine kinase; plus strand). Cytogenetic location: 7q31.2.
Variant type: single nucleotide variant.
Coding change: c.2122G>A on transcript NM_000245.4 (MANE Select); coding-DNA position 2122, G replaced by A.
Protein change: p.Glu708Lys; replaces glutamic acid 708 with lysine.
Molecular consequence: missense variant.
Genome position (GRCh38, 1-based): chr7:116,758,478, G>A. VCF-style: chr7-116758478-G-A. GRCh37 (hg19) VCF-style: chr7-116398532-G-A.
Other names: c.2122G>A, p.Glu708Lys (NM_001127500.3, NM_001324401.3); c.832G>A, p.Glu278Lys (NM_001324402.2); c.2122G>A (NM_001127500.1); short protein forms E708K, E278K.
Identifiers: ClinVar variation 1405591 (VCV001405591.7), dbSNP rs2116930184, ClinGen allele CA368980430.